The following is an entry in ClinVar:

ClinVar aggregate classification (germline): Uncertain significance (1 of 4 stars; one submission).

Submission:

Laboratory for Molecular Medicine, Mass General Brigham Personalized Medicine
Classification: Uncertain significance. Last evaluated: 2015-10-23. Review status: criteria provided, single submitter. Criteria: LMM Criteria. Collection method: clinical testing. Allele origin: germline. Observed: 1 variant allele.
Comment: The p.Lys2433Glu variant in OTOG has not been previously reported in individuals with hearing loss. Data from large population studies is insufficient to assess the frequency of this variant. Computational prediction tools and conservation analysis do not provide strong support for or against an impact to the protein. In summary, the clinical significance of the p.Lys2433Gly variant is uncertain.

NM_001292063.2(OTOG):c.7261A>G (p.Lys2421Glu)

Gene: OTOG (otogelin; plus strand). Cytogenetic location: 11p15.1.
Variant type: single nucleotide variant.
Coding change: c.7261A>G on transcript NM_001292063.2 (MANE Select); coding-DNA position 7261, A replaced by G.
Protein change: p.Lys2421Glu; replaces lysine 2421 with glutamic acid.
Molecular consequence: missense variant.
Genome position (GRCh38, 1-based): chr11:17,633,868, A>G. VCF-style: chr11-17633868-A-G. GRCh37 (hg19) VCF-style: chr11-17655415-A-G.
Other names: c.7297A>G, p.Lys2433Glu (NM_001277269.2); short protein forms K2433E, K2421E.
Identifiers: ClinVar variation 229101 (VCV000229101.5), dbSNP rs876657941, ClinGen allele CA10576872.